The following is an entry in ClinVar:

NM_001267550.2(TTN):c.101538G>A (p.Met33846Ile)

Genes: TTN (titin; minus strand), TTN-AS1 (TTN antisense RNA 1; plus strand). Cytogenetic location: 2q31.2.
Variant type: single nucleotide variant.
Coding change: c.101538G>A on transcript NM_001267550.2 (MANE Select); coding-DNA position 101538, G replaced by A.
Protein change: p.Met33846Ile; replaces methionine 33846 with isoleucine.
Molecular consequence: missense variant.
Genome position (GRCh38, 1-based): chr2:178,535,077, C>T on the plus strand (G>A on the coding strand, the complement: TTN is on the minus strand). VCF-style: chr2-178535077-C-T. GRCh37 (hg19) VCF-style: chr2-179399804-C-T.
Other names: c.74919G>A, p.Met24973Ile (NM_133437.4); c.96615G>A, p.Met32205Ile (NM_001256850.1); c.74343G>A, p.Met24781Ile (NM_003319.4); c.93834G>A, p.Met31278Ile (NM_133378.4); c.74718G>A, p.Met24906Ile (NM_133432.3); short protein forms M32205I, M31278I, M24906I, M24973I, M24781I, M33846I.
Identifiers: ClinVar variation 1354374 (VCV001354374.6), dbSNP rs1690830241, ClinGen allele CA349420492.
Genomic context (GRCh38, chr2:178,535,077, plus strand): 5'-AATGGAAATTTCCTTCTTTACCAAAACCTGATCAGTCCCTTTGACTTTAACAAATTTGGC[C>T]ATGTATGTCTTCTTTGAGGATGTTTCAACACAACGATGGACAATTCCAAACTCACCACGC-3'
Protein context (NP_001254479.2, residues 33836-33856): CVETSSKKTY[Met33846Ile]AKFVKVKGTD

ClinVar aggregate classification (germline): Uncertain significance (1 of 4 stars; one submission).

Conditions:
Dilated cardiomyopathy 1G (CMD1G). Identifiers: Orphanet 154, MedGen C1858763, MONDO:0011400, OMIM 604145.
Autosomal recessive limb-girdle muscular dystrophy type 2J (LGMDR10). Also called: Limb-girdle muscular dystrophy, type 2J; MUSCULAR DYSTROPHY, LIMB-GIRDLE, AUTOSOMAL RECESSIVE 10. Identifiers: Orphanet 140922, MedGen C1837342, MONDO:0012127, OMIM 608807.

Allele frequency attached by ClinVar (database versions not stated): gnomAD exomes below 0.00001.
gnomAD v4.1: 1 of 1,613,828 alleles (0.000062%); highest among the groups gnomAD compares: East Asian, 0.0022%; no homozygotes.

Submission:

Labcorp Genetics (formerly Invitae), Labcorp
Classification: Uncertain significance for Dilated cardiomyopathy 1G; Autosomal recessive limb-girdle muscular dystrophy type 2J. Last evaluated: 2021-05-17. Review status: criteria provided, single submitter. Criteria: Invitae Variant Classification Sherloc (09022015). Collection method: clinical testing. Allele origin: germline.
Comment: This sequence change replaces methionine with isoleucine at codon 33846 of the TTN protein (p.Met33846Ile). There is a small physicochemical difference between methionine and isoleucine. This variant is not present in population databases (ExAC no frequency). This variant is located in the M band of TTN (PMID: 25589632). Variants in this region may be relevant for neuromuscular disorders, but have not been definitively shown to cause cardiomyopathy (PMID: 23975875). In summary, the available evidence is currently insufficient to determine the role of this variant in disease. Therefore, it has been classified as a Variant of Uncertain Significance. Experimental studies and prediction algorithms are not available or were not evaluated, and the functional significance of this variant is currently unknown. This variant has not been reported in the literature in individuals with TTN-related conditions.

Literature cited by the submitters: PubMed 25589632; PubMed 23975875.